The following is an entry in ClinVar:

ClinVar aggregate classification (germline): Uncertain significance (1 of 4 stars; one submission).

Allele frequency attached by ClinVar (database versions not stated): gnomAD exomes below 0.00001.
gnomAD v4.1: 1 of 1,207,186 alleles (0.000083%); highest among the groups gnomAD compares: South Asian, 0.0018%; no homozygotes.

Submission:

Labcorp Genetics (formerly Invitae), Labcorp
Classification: Uncertain significance. Last evaluated: 2024-09-23. Review status: criteria provided, single submitter. Criteria: Invitae Variant Classification Sherloc (09022015). Collection method: clinical testing. Allele origin: germline.
Comment: This sequence change replaces proline, which is neutral and non-polar, with alanine, which is neutral and non-polar, at codon 149 of the FRMD7 protein (p.Pro149Ala). This variant is not present in population databases (gnomAD no frequency). This variant has not been reported in the literature in individuals affected with FRMD7-related conditions. ClinVar contains an entry for this variant (Variation ID: 1346507). An algorithm developed to predict the effect of missense changes on protein structure and function (PolyPhen-2) suggests that this variant is likely to be tolerated. In summary, the available evidence is currently insufficient to determine the role of this variant in disease. Therefore, it has been classified as a Variant of Uncertain Significance.

NM_194277.3(FRMD7):c.445C>G (p.Pro149Ala)

Gene: FRMD7 (FERM domain containing 7; minus strand). Cytogenetic location: Xq26.2.
Variant type: single nucleotide variant.
Coding change: c.445C>G on transcript NM_194277.3 (MANE Select); coding-DNA position 445, C replaced by G.
Protein change: p.Pro149Ala; replaces proline 149 with alanine.
Molecular consequence: missense variant.
Genome position (GRCh38, 1-based): chrX:132,085,972, G>C on the plus strand (C>G on the coding strand, the complement: FRMD7 is on the minus strand). VCF-style: chrX-132085972-G-C. GRCh37 (hg19) VCF-style: chrX-131220000-G-C.
Other names: c.400C>G, p.Pro134Ala (NM_001306193.2); short protein forms P134A, P149A.
Identifiers: ClinVar variation 1346507 (VCV001346507.8), dbSNP rs2124224182, ClinGen allele CA414681392.